The following is an entry in ClinVar:

NM_002291.3(LAMB1):c.1924C>T (p.Arg642Ter)

Gene: LAMB1 (laminin subunit beta 1; minus strand). Cytogenetic location: 7q31.1.
Variant type: single nucleotide variant.
Coding change: c.1924C>T on transcript NM_002291.3 (MANE Select); coding-DNA position 1924, C replaced by T.
Protein change: p.Arg642Ter; replaces arginine 642 with a stop codon.
Molecular consequence: nonsense.
Genome position (GRCh38, 1-based): chr7:107,961,610, G>A on the plus strand (C>T on the coding strand, the complement: LAMB1 is on the minus strand). VCF-style: chr7-107961610-G-A. GRCh37 (hg19) VCF-style: chr7-107602055-G-A.
Other names: short protein forms R642*.
Identifiers: ClinVar variation 4847011 (VCV004847011.1).

ClinVar aggregate classification (germline): Pathogenic (1 of 4 stars; one submission).

Conditions:
Fetal anomalies with a likely genetic cause.

gnomAD v4.1: 3 of 1,613,964 alleles (0.00019%); highest among the groups gnomAD compares: Non-Finnish European, 0.00025%; no homozygotes.

Submission:

Genetics Laboratory, Great Ormond Street Hospital NHS Foundation Trust, North Thames Genomic Laboratory Hub
Classification: Pathogenic for Fetal anomalies with a likely genetic cause. Last evaluated: 2026-03-01. Review status: criteria provided, single submitter. Criteria: ACGS Best Practice Guidelines for Variant Classification in Rare Disease 2024 v1.2. Collection method: clinical testing. Allele origin: germline. Affected: yes.
Comment: PM2_moderate, PVS1_very-strong